The following is an entry in ClinVar:

ClinVar aggregate classification (germline): Pathogenic. Review status: criteria provided, multiple submitters, no conflicts (2 of 4 stars). 2 submissions from 2 submitters: Pathogenic (2). Last evaluated 2024-11-29.

Conditions:
Polycystic kidney disease. Also called: Kidney, Polycystic; Polycystic kidney dysplasia. Identifiers: MedGen C0022680, MeSH D007690, MONDO:0020642, HP:0000113.
Polycystic kidney disease 4 (PKD4). Also called: Autosomal Recessive Polycystic Kidney Disease – PKHD1; POLYCYSTIC KIDNEY AND HEPATIC DISEASE 1; POLYCYSTIC KIDNEY DISEASE, INFANTILE, TYPE I; POLYCYSTIC KIDNEY DISEASE 4 WITH OR WITHOUT POLYCYSTIC LIVER DISEASE; PKD3. Identifiers: MedGen C4540575, MONDO:0033004, OMIM 263200.

Allele frequency attached by ClinVar (database versions not stated): gnomAD exomes 0.00001.

Submissions (2):

Rady Children's Institute for Genomic Medicine, Rady Children's Hospital San Diego
Classification: Pathogenic for Polycystic kidney disease. Last evaluated: 2024-11-29. Review status: criteria provided, single submitter. Criteria: ACMG Guidelines, 2015. Collection method: clinical testing. Allele origin: germline. Affected: yes.
Comment: This frameshifting variant in exon 23 of 67 is predicted to result in loss of normal protein function through either protein truncation or nonsense-mediated mRNA decay. Loss-of-function variation in PKHD1 is an established mechanism of disease (PMID: 20301501). This variant has not been previously reported or functionally characterized in the literature to our knowledge. The c.2303_2306del (p.Glu768GlyfsTer8) variant is present in the latest version of the gnomAD population database at an allele frequency of 0.0002% (4/1614062), and is absent in the homozygous state, thus is presumed to be rare. Based on the available evidence, c.2303_2306del (p.Glu768GlyfsTer8) is classified as Pathogenic.

Myriad Genetics, Inc.
Classification: Pathogenic for Polycystic kidney disease 4. Last evaluated: 2024-04-22. Review status: criteria provided, single submitter. Criteria: Myriad Autosomal Dominant, Autosomal Recessive and X-Linked Classification Criteria (2023). Collection method: clinical testing. Allele origin: unknown.
Comment: NM_138694.3(PKHD1):c.2303_2306delAAGA(E768Gfs*8) is expected to be pathogenic in the context of autosomal recessive polycystic kidney disease, PKHD1-related. This variant is predicted to lead to an abnormal or absent protein product due to the creation of a premature termination codon in PKHD1, a gene where loss-of-function variants are known to be pathogenic. Please note: this variant was assessed in the context of healthy population screening.

Literature cited by the submitters: PubMed 20301501 (cited by Rady Children's Institute for Genomic Medicine, Rady Children's Hospital San Diego).

NM_138694.4(PKHD1):c.2303_2306del (p.Glu768fs)

Gene: PKHD1 (PKHD1 ciliary IPT domain containing fibrocystin/polyductin; minus strand). Cytogenetic location: 6p12.2.
Variant type: Deletion.
Coding change: c.2303_2306del on transcript NM_138694.4 (MANE Select); coding-DNA positions 2303 to 2306, 4 bases deleted (AAGA; older notation c.2303_2306delAAGA).
Protein change: p.Glu768fs; shifts the reading frame from glutamic acid 768.
Molecular consequence: frameshift variant.
Genome position (GRCh38, 1-based): chr6:52,048,593-52,048,596, TCTT deleted on the plus strand (AAGA on the coding strand, the reverse complement: PKHD1 is on the minus strand). VCF-style (leftmost placement, unchanged base first): chr6-52048592-CTCTT-C. GRCh37 (hg19) VCF-style: chr6-51913390-CTCTT-C.
Other names: c.2303_2306del, p.Glu768fs (NM_170724.3); c.2303_2306del (NM_138694.3); short protein forms E768fs.
Identifiers: ClinVar variation 4814192 (VCV004814192.2), dbSNP rs1416246794.